The following is an entry in ClinVar:

NM_025099.6(CTC1):c.615C>T (p.Tyr205=)

Gene: CTC1 (CST telomere replication complex component 1; minus strand). Cytogenetic location: 17p13.1.
Variant type: single nucleotide variant.
Coding change: c.615C>T on transcript NM_025099.6 (MANE Select); coding-DNA position 615, C replaced by T.
Protein change: p.Tyr205=; no amino-acid change (tyrosine 205 retained).
Molecular consequence: synonymous variant. On other transcripts: non-coding transcript variant (1).
Genome position (GRCh38, 1-based): chr17:8,238,063, G>A on the plus strand (C>T on the coding strand, the complement: CTC1 is on the minus strand). VCF-style: chr17-8238063-G-A. GRCh37 (hg19) VCF-style: chr17-8141381-G-A.
Identifiers: ClinVar variation 326084 (VCV000326084.46), dbSNP rs571035242, ClinGen allele CA8372600.
Genomic context (GRCh38, chr17:8,238,063, plus strand): 5'-CCCTGCCATGCCTAGAGGGGGAAATTACCTGAGCCTGAGCAGGCAGGAAGCACTCTCTGG[G>A]TAGAGGACAGGGATAGGCGTGACGGGGCCAGGACTGATGGTCAAAGGAAACACTGGCACA-3'
Protein context (NP_079375.3, residues 195-215): PGPVTPIPVL[Tyr205=]PESASCLLRL

ClinVar aggregate classification (germline): Conflicting classifications of pathogenicity. Review status: criteria provided, conflicting classifications (1 of 4 stars). 7 submissions from 7 submitters: Uncertain significance (1); Benign (1); Likely benign (4). 1 of the submissions does not count toward it. Last evaluated 2026-01-19.

Conditions:
CTC1-related disorder. Also called: CTC1-related condition.
Dyskeratosis congenita. Identifiers: Orphanet 1775, MedGen C0265965, MONDO:0015780.
Cerebroretinal microangiopathy with calcifications and cysts 1 (CRMCC1). Identifiers: Orphanet 313838, MedGen C4552029, MONDO:0024564, OMIM 612199.

Allele frequency attached by ClinVar (database versions not stated): gnomAD below 0.00001 and 0.00024; TOPMed 0.00005; gnomAD exomes 0.00081; ExAC 0.00092; 1000 Genomes Project 0.00100; 1000 Genomes Project 30x 0.00109.

Submissions (7):

Labcorp Genetics (formerly Invitae), Labcorp
Classification: Benign for Dyskeratosis congenita. Last evaluated: 2026-01-19. Review status: criteria provided, single submitter. Criteria: Invitae Variant Classification Sherloc (09022015). Collection method: clinical testing. Allele origin: germline.

Blueprint Genetics
Classification: Likely benign. Last evaluated: 2024-11-21. Review status: criteria provided, single submitter. Criteria: ACMG Guidelines, 2015. Collection method: clinical testing. Allele origin: germline.

CeGaT Center for Human Genetics Tuebingen
Classification: Likely benign. Last evaluated: 2022-12-01. Review status: criteria provided, single submitter. Criteria: CeGaT Center For Human Genetics Tuebingen Variant Classification Criteria Version 2. Collection method: clinical testing. Allele origin: germline. Affected: yes. Observed: 1 variant allele.
Comment: CTC1: BP4, BP7

Genome-Nilou Lab
Classification: Likely benign for Cerebroretinal microangiopathy with calcifications and cysts 1. Last evaluated: 2021-07-15. Review status: criteria provided, single submitter. Criteria: ACMG Guidelines, 2015. Collection method: clinical testing. Allele origin: germline. Affected: no.

Illumina Laboratory Services, Illumina
Classification: Likely benign for Dyskeratosis congenita. Last evaluated: 2018-01-12. Review status: criteria provided, single submitter. Criteria: ICSL Variant Classification Criteria 13 December 2019. Collection method: clinical testing. Allele origin: germline.
Comment: This variant was observed in the ICSL laboratory as part of a predisposition screen in an ostensibly healthy population. It had not been previously curated by ICSL or reported in the Human Gene Mutation Database (HGMD: prior to June 1st, 2018), and was therefore a candidate for classification through an automated scoring system. Utilizing variant allele frequency, disease prevalence and penetrance estimates, and inheritance mode, an automated score was calculated to assess if this variant is too frequent to cause the disease. Based on the score and internal cut-off values, a variant classified as likely benign is not then subjected to further curation. The score for this variant resulted in a classification of likely benign for this disease.

Genetic Services Laboratory, University of Chicago
Classification: Uncertain significance. Last evaluated: 2016-07-28. Review status: criteria provided, single submitter. Criteria: ACMG Guidelines, 2015. Collection method: clinical testing. Allele origin: germline. Affected: no.

PreventionGenetics, part of Exact Sciences
Classification: Likely benign for CTC1-related condition. Last evaluated: 2019-10-28. Review status: no assertion criteria provided. Collection method: clinical testing. Allele origin: germline. Not counted in ClinVar's aggregate classification.
Comment: This variant is classified as likely benign based on ACMG/AMP sequence variant interpretation guidelines (Richards et al. 2015 PMID: 25741868, with internal and published modifications).